The following is an entry in ClinVar:

NM_001374736.1(DST):c.20551-10T>C

Gene: DST (dystonin; minus strand). Cytogenetic location: 6p12.1.
Variant type: single nucleotide variant.
Coding change: c.20551-10T>C on transcript NM_001374736.1 (MANE Select); 10 bases into the intron before coding-DNA position 20551, T replaced by C.
Molecular consequence: intron variant.
Genome position (GRCh38, 1-based): chr6:56,492,443, A>G on the plus strand (T>C on the coding strand, the complement: DST is on the minus strand). VCF-style: chr6-56492443-A-G. GRCh37 (hg19) VCF-style: chr6-56357241-A-G.
Other names: p.?; c.14194-10T>C (NM_001144769.5); c.20551-10T>C (NM_001374722.1); c.20578-10T>C (NM_001374734.1); c.13780-10T>C (NM_001144770.2); c.13333-10T>C (NM_001374730.1); c.13660-10T>C (NM_001386100.1, NM_183380.4); c.19591-10T>C (NM_001374729.1); and 1 more.
Identifiers: ClinVar variation 795680 (VCV000795680.15), dbSNP rs191932729, ClinGen allele CA3866717.

ClinVar aggregate classification (germline): Benign/Likely benign. Review status: criteria provided, multiple submitters, no conflicts (2 of 4 stars). 4 submissions from 4 submitters: Benign (1); Likely benign (2). 1 of the submissions does not count toward it. Last evaluated 2025-12-31.

Conditions:
Hereditary sensory and autonomic neuropathy type 6. Also called: HSAN VI; Neuropathy, hereditary sensory and autonomic, type VI. Identifiers: Orphanet 314381, MedGen C3539003, MONDO:0013839, OMIM 614653.
Epidermolysis bullosa simplex 3, localized or generalized intermediate, with BP230 deficiency (EBS3). Also called: Epidermolysis bullosa simplex, autosomal recessive 2; Epidermolysis bullosa simplex due to BP230 deficiency. Identifiers: Orphanet 412181, MedGen C3809470, MONDO:0014180, OMIM 615425.
DST-related disorder. Also called: DST-related condition; DST-related disorders.

Allele frequency attached by ClinVar (database versions not stated): gnomAD exomes 0.00111 and 0.00137; 1000 Genomes Project 30x 0.00109; gnomAD 0.00118 and 0.00120; ESP Exome Variant Server 0.00026; 1000 Genomes Project 0.00120; TOPMed 0.00068; ExAC 0.00151.
gnomAD v4.1: 1,770 of 1,600,210 alleles (0.11%); highest among the groups gnomAD compares: Non-Finnish European, 0.12%; 3 homozygotes.

Submissions (4):

Labcorp Genetics (formerly Invitae), Labcorp
Classification: Benign for Epidermolysis bullosa simplex 3, localized or generalized intermediate, with BP230 deficiency; Hereditary sensory and autonomic neuropathy type 6. Last evaluated: 2025-12-31. Review status: criteria provided, single submitter. Criteria: Invitae Variant Classification Sherloc (09022015). Collection method: clinical testing. Allele origin: germline.

Blueprint Genetics
Classification: Likely benign. Last evaluated: 2024-11-21. Review status: criteria provided, single submitter. Criteria: ACMG Guidelines, 2015. Collection method: clinical testing. Allele origin: germline.

Mayo Clinic Laboratories, Mayo Clinic
Classification: Likely benign. Last evaluated: 2023-09-06. Review status: criteria provided, single submitter. Criteria: ACMG Guidelines, 2015. Collection method: clinical testing. Allele origin: germline. Observed: 6 variant alleles.
Comment: BS1, BP4, BP7

PreventionGenetics, part of Exact Sciences
Classification: Likely benign for DST-related condition. Last evaluated: 2021-02-25. Review status: no assertion criteria provided. Collection method: clinical testing. Allele origin: germline. Not counted in ClinVar's aggregate classification.
Comment: This variant is classified as likely benign based on ACMG/AMP sequence variant interpretation guidelines (Richards et al. 2015 PMID: 25741868, with internal and published modifications).